The following is an entry in ClinVar:

NM_005045.4(RELN):c.10160G>A (p.Arg3387Lys)

Genes: RELN (reelin; minus strand), SLC26A5-AS1 (SLC26A5 antisense RNA 1; plus strand). Cytogenetic location: 7q22.1.
Variant type: single nucleotide variant.
Coding change: c.10160G>A on transcript NM_005045.4 (MANE Select); coding-DNA position 10160, G replaced by A.
Protein change: p.Arg3387Lys; replaces arginine 3387 with lysine.
Molecular consequence: missense variant.
Genome position (GRCh38, 1-based): chr7:103,483,674, C>T on the plus strand (G>A on the coding strand, the complement: RELN is on the minus strand). VCF-style: chr7-103483674-C-T. GRCh37 (hg19) VCF-style: chr7-103124121-C-T.
Other names: c.10160G>A (NM_005045.3); c.10160G>A, p.Arg3387Lys (NM_173054.3); short protein forms R3387K.
Identifiers: ClinVar variation 284023 (VCV000284023.7), dbSNP rs886042770, ClinGen allele CA10604664.
Genomic context (GRCh38, chr7:103,483,674, plus strand): 5'-TTGTGCATGAGACCATGCCTTTCCATTTGGGCCACTTACAGGGGGACATTGTAAGACACT[C>T]TCTGAGCTTGTGTGAAGTCCTTTGGCTGGTGCTGGGCGATGACATGCCAGGTGATCCCGT-3'
Protein context (NP_005036.2, residues 3377-3397): HQPKDFTQAQ[Arg3387Lys]VSYNVPLEAR

ClinVar aggregate classification (germline): Uncertain significance. Review status: criteria provided, multiple submitters, no conflicts (2 of 4 stars). 3 submissions from 3 submitters: Uncertain significance (3). Last evaluated 2025-03-05.

Conditions:
RELN-related disorder. Also called: RELN-related condition.

gnomAD v4.1: 1 of 1,614,184 alleles (0.000062%); highest among the groups gnomAD compares: East Asian, 0.0022%; no homozygotes.

Submissions (3):

GeneDx
Classification: Uncertain significance. Last evaluated: 2025-03-05. Review status: criteria provided, single submitter. Criteria: GeneDx Variant Classification Process June 2021. Collection method: clinical testing. Allele origin: germline. Affected: yes.
Comment: Has not been previously published as pathogenic or benign to our knowledge; Not observed at significant frequency in large population cohorts (gnomAD); In silico analysis indicates that this missense variant does not alter protein structure/function

PreventionGenetics, part of Exact Sciences
Classification: Uncertain significance for RELN-related condition. Last evaluated: 2023-01-13. Review status: criteria provided, single submitter. Criteria: ACMG Guidelines, 2015. Collection method: clinical testing. Allele origin: germline.
Comment: The RELN c.10160G>A variant is predicted to result in the amino acid substitution p.Arg3387Lys. To our knowledge, this variant has not been reported in the literature or in a large population database, indicating this variant is rare. At this time, the clinical significance of this variant is uncertain due to the absence of conclusive functional and genetic evidence.

Eurofins Ntd Llc (ga)
Classification: Uncertain significance. Last evaluated: 2015-10-20. Review status: criteria provided, single submitter. Criteria: EGL Classification Definitions 2015. Collection method: clinical testing. Allele origin: germline. Observed: 1 variant allele, 1 heterozygote.